The following is an entry in ClinVar:

NM_000179.3(MSH6):c.3692T>C (p.Val1231Ala)

Gene: MSH6 (mutS homolog 6; plus strand). Cytogenetic location: 2p16.3.
Variant type: single nucleotide variant.
Coding change: c.3692T>C on transcript NM_000179.3 (MANE Select); coding-DNA position 3692, T replaced by C.
Protein change: p.Val1231Ala; replaces valine 1231 with alanine.
Molecular consequence: missense variant.
Genome position (GRCh38, 1-based): chr2:47,806,249, T>C. VCF-style: chr2-47806249-T-C. GRCh37 (hg19) VCF-style: chr2-48033388-T-C.
Other names: c.3302T>C, p.Val1101Ala (NM_001281492.2); c.2786T>C, p.Val929Ala (NM_001281493.2, NM_001281494.2); short protein forms V1101A, V929A, V1231A.
Identifiers: ClinVar variation 849724 (VCV000849724.10), dbSNP rs1221659275, ClinGen allele CA346760964.

ClinVar aggregate classification (germline): Uncertain significance (1 of 4 stars; one submission).

Conditions:
Hereditary nonpolyposis colorectal neoplasms. Identifiers: MedGen C0009405, MeSH D003123.

Allele frequency attached by ClinVar (database versions not stated): gnomAD exomes below 0.00001.

Submission:

Labcorp Genetics (formerly Invitae), Labcorp
Classification: Uncertain significance for Hereditary nonpolyposis colorectal neoplasms. Last evaluated: 2022-03-02. Review status: criteria provided, single submitter. Criteria: Invitae Variant Classification Sherloc (09022015). Collection method: clinical testing. Allele origin: germline.
Comment: This sequence change replaces valine, which is neutral and non-polar, with alanine, which is neutral and non-polar, at codon 1231 of the MSH6 protein (p.Val1231Ala). In summary, the available evidence is currently insufficient to determine the role of this variant in disease. Therefore, it has been classified as a Variant of Uncertain Significance. Advanced modeling of protein sequence and biophysical properties (such as structural, functional, and spatial information, amino acid conservation, physicochemical variation, residue mobility, and thermodynamic stability) performed at Invitae indicates that this missense variant is expected to disrupt MSH6 protein function. ClinVar contains an entry for this variant (Variation ID: 849724). This variant has not been reported in the literature in individuals affected with MSH6-related conditions. This variant is present in population databases (no rsID available, gnomAD 0.006%).